The following is an entry in ClinVar:

ClinVar aggregate classification (germline): Conflicting classifications of pathogenicity. Review status: criteria provided, conflicting classifications (1 of 4 stars). 3 submissions from 3 submitters: Uncertain significance (2); Likely benign (1). Last evaluated 2026-03-05.

Conditions:
Autosomal dominant nocturnal frontal lobe epilepsy 5. Also called: KCNT1-Related Epilepsy; Epilepsy, nocturnal frontal lobe, 5; CILIARY DYSKINESIA, PRIMARY, 28, WITHOUT SITUS INVERSUS; CILIARY DYSKINESIA, PRIMARY, 28, WITH SITUS INVERSUS. Identifiers: Orphanet 98784, MedGen C3554306, MONDO:0014002, OMIM 615005.
Developmental and epileptic encephalopathy, 14 (DEE14). Also called: Early infantile epileptic encephalopathy 14. Identifiers: Orphanet 293181, MedGen C3554195, MONDO:0013989, OMIM 614959.
Inborn genetic diseases. Identifiers: MedGen C0950123, MeSH D030342.

gnomAD v4.1: 3 of 1,603,944 alleles (0.00019%); highest among the groups gnomAD compares: Admixed American, 0.0034%; no homozygotes.

Submissions (3):

GeneDx
Classification: Uncertain significance. Last evaluated: 2026-03-05. Review status: criteria provided, single submitter. Criteria: GeneDx Variant Classification Process June 2021. Collection method: clinical testing. Allele origin: germline.
Comment: Not observed at significant frequency in large population cohorts (gnomAD); In silico analysis suggests that this missense variant does not alter protein structure/function; Has not been previously published as pathogenic or benign to our knowledge

Ambry Genetics
Classification: Likely benign for Inborn genetic diseases. Last evaluated: 2025-03-27. Review status: criteria provided, single submitter. Criteria: Ambry Variant Classification Scheme 2023. Collection method: clinical testing. Allele origin: germline.

Labcorp Genetics (formerly Invitae), Labcorp
Classification: Uncertain significance for Autosomal dominant nocturnal frontal lobe epilepsy 5; Developmental and epileptic encephalopathy, 14. Last evaluated: 2023-09-15. Review status: criteria provided, single submitter. Criteria: Invitae Variant Classification Sherloc (09022015). Collection method: clinical testing. Allele origin: germline.
Comment: In summary, the available evidence is currently insufficient to determine the role of this variant in disease. Therefore, it has been classified as a Variant of Uncertain Significance. Advanced modeling of protein sequence and biophysical properties (such as structural, functional, and spatial information, amino acid conservation, physicochemical variation, residue mobility, and thermodynamic stability) performed at Invitae indicates that this missense variant is not expected to disrupt KCNT1 protein function. ClinVar contains an entry for this variant (Variation ID: 2428349). This variant has not been reported in the literature in individuals affected with KCNT1-related conditions. This variant is not present in population databases (gnomAD no frequency). This sequence change replaces threonine, which is neutral and polar, with arginine, which is basic and polar, at codon 1094 of the KCNT1 protein (p.Thr1094Arg).

NM_020822.3(KCNT1):c.3281C>G (p.Thr1094Arg)

Gene: KCNT1 (potassium sodium-activated channel subfamily T member 1; plus strand). Cytogenetic location: 9q34.3.
Variant type: single nucleotide variant.
Coding change: c.3281C>G on transcript NM_020822.3 (MANE Select); coding-DNA position 3281, C replaced by G.
Protein change: p.Thr1094Arg; replaces threonine 1094 with arginine.
Molecular consequence: missense variant.
Genome position (GRCh38, 1-based): chr9:135,786,300, C>G. VCF-style: chr9-135786300-C-G. GRCh37 (hg19) VCF-style: chr9-138678146-C-G.
Other names: c.3146C>G, p.Thr1049Arg (NM_001272003.2); c.3281C>G (NM_020822.2); short protein forms T1049R, T1094R.
Identifiers: ClinVar variation 2428349 (VCV002428349.10), dbSNP rs373041291, ClinGen allele CA375491648.